The following is an entry in ClinVar:

ClinVar aggregate classification (germline): Uncertain significance (1 of 4 stars; one submission).

Conditions:
Epidermolysis bullosa simplex 3, localized or generalized intermediate, with BP230 deficiency (EBS3). Also called: Epidermolysis bullosa simplex due to BP230 deficiency; Epidermolysis bullosa simplex, autosomal recessive 2. Identifiers: Orphanet 412181, MedGen C3809470, MONDO:0014180, OMIM 615425.
Hereditary sensory and autonomic neuropathy type 6. Also called: Neuropathy, hereditary sensory and autonomic, type VI; HSAN VI. Identifiers: Orphanet 314381, MedGen C3539003, MONDO:0013839, OMIM 614653.

Submission:

Labcorp Genetics (formerly Invitae), Labcorp
Classification: Uncertain significance for Epidermolysis bullosa simplex 3, localized or generalized intermediate, with BP230 deficiency; Hereditary sensory and autonomic neuropathy type 6. Last evaluated: 2024-02-24. Review status: criteria provided, single submitter. Criteria: Invitae Variant Classification Sherloc (09022015). Collection method: clinical testing. Allele origin: germline.
Comment: This sequence change replaces glutamic acid, which is acidic and polar, with valine, which is neutral and non-polar, at codon 93 of the DST protein (p.Glu93Val). This variant is not present in population databases (gnomAD no frequency). This variant has not been reported in the literature in individuals affected with DST-related conditions. ClinVar contains an entry for this variant (Variation ID: 2064498). An algorithm developed to predict the effect of missense changes on protein structure and function (PolyPhen-2) suggests that this variant is likely to be disruptive. In summary, the available evidence is currently insufficient to determine the role of this variant in disease. Therefore, it has been classified as a Variant of Uncertain Significance.

NM_001374736.1(DST):c.1889A>T (p.Glu630Val)

Gene: DST (dystonin; minus strand). Cytogenetic location: 6p12.1.
Variant type: single nucleotide variant.
Coding change: c.1889A>T on transcript NM_001374736.1 (MANE Select); coding-DNA position 1889, A replaced by T.
Protein change: p.Glu630Val; replaces glutamic acid 630 with valine.
Molecular consequence: missense variant.
Genome position (GRCh38, 1-based): chr6:56,642,085, T>A on the plus strand (A>T on the coding strand, the complement: DST is on the minus strand). VCF-style: chr6-56642085-T-A. GRCh37 (hg19) VCF-style: chr6-56506883-T-A.
Other names: c.1790A>T, p.Glu597Val (NM_001144769.5); c.1376A>T, p.Glu459Val (NM_001144770.2); c.1889A>T, p.Glu630Val (NM_001374722.1); c.1256A>T, p.Glu419Val (NM_001374729.1, NM_001374730.1, NM_001386100.1 and 1 more transcripts); c.1916A>T, p.Glu639Val (NM_001374734.1); c.278A>T, p.Glu93Val (NM_001723.7, NM_015548.5); short protein forms E459V, E630V, E597V, E419V, E639V, E93V.
Identifiers: ClinVar variation 2064498 (VCV002064498.4), dbSNP rs2537204326, ClinGen allele CA364615114.